The following is an entry in ClinVar:

ClinVar aggregate classification (germline): Uncertain significance. Review status: criteria provided, multiple submitters, no conflicts (2 of 4 stars). 2 submissions from 2 submitters: Uncertain significance (2). Last evaluated 2024-12-11.

Conditions:
Kabuki syndrome. Also called: NIIKAWA-KUROKI SYNDROME; Kabuki make-up syndrome. Identifiers: Orphanet 2322, MedGen C0796004, MONDO:0016512.

Submissions (2):

GeneDx
Classification: Uncertain significance. Last evaluated: 2024-12-11. Review status: criteria provided, single submitter. Criteria: GeneDx Variant Classification Process June 2021. Collection method: clinical testing. Allele origin: germline.
Comment: Not observed at significant frequency in large population cohorts (gnomAD); In silico analysis supports that this missense variant has a deleterious effect on protein structure/function; Has not been previously reported as a pathogenic or benign germline variant to our knowledge; This variant is associated with the following publications: (PMID: 34553842)

Labcorp Genetics (formerly Invitae), Labcorp
Classification: Uncertain significance for Kabuki syndrome. Last evaluated: 2022-08-04. Review status: criteria provided, single submitter. Criteria: Invitae Variant Classification Sherloc (09022015). Collection method: clinical testing. Allele origin: germline.
Comment: This sequence change replaces cysteine, which is neutral and slightly polar, with tryptophan, which is neutral and slightly polar, at codon 1448 of the KMT2D protein (p.Cys1448Trp). This variant is not present in population databases (gnomAD no frequency). This variant has not been reported in the literature in individuals affected with KMT2D-related conditions. Advanced modeling of protein sequence and biophysical properties (such as structural, functional, and spatial information, amino acid conservation, physicochemical variation, residue mobility, and thermodynamic stability) performed at Invitae indicates that this missense variant is expected to disrupt KMT2D protein function. In summary, the available evidence is currently insufficient to determine the role of this variant in disease. Therefore, it has been classified as a Variant of Uncertain Significance.

NM_003482.4(KMT2D):c.4344T>G (p.Cys1448Trp)

Gene: KMT2D (lysine methyltransferase 2D; minus strand). Cytogenetic location: 12q13.12.
Variant type: single nucleotide variant.
Coding change: c.4344T>G on transcript NM_003482.4 (MANE Select); coding-DNA position 4344, T replaced by G.
Protein change: p.Cys1448Trp; replaces cysteine 1448 with tryptophan.
Molecular consequence: missense variant.
Genome position (GRCh38, 1-based): chr12:49,046,683, A>C on the plus strand (T>G on the coding strand, the complement: KMT2D is on the minus strand). VCF-style: chr12-49046683-A-C. GRCh37 (hg19) VCF-style: chr12-49440466-A-C.
Other names: short protein forms C1448W.
Identifiers: ClinVar variation 2011448 (VCV002011448.6), dbSNP rs2120611081, ClinGen allele CA384647022.
Genomic context (GRCh38, chr12:49,046,683, plus strand): 5'-GCCGCCCTTGGGGACGGTGAGCAGTGGGGGGTCCAGGCAGTATGTGTGGTAGCTAATATC[A>C]CAGTCATCACAGAGCAGCAGGCGTGAGGGGTCGGAGGCCTGGCCACACACCTCACACACA-3'
Protein context (NP_003473.3, residues 1438-1458): DPSRLLLCDD[Cys1448Trp]DISYHTYCLD